The following is an entry in ClinVar:

ClinVar aggregate classification (germline): Uncertain significance. Review status: criteria provided, multiple submitters, no conflicts (2 of 4 stars). 3 submissions from 3 submitters: Uncertain significance (3). Last evaluated 2025-07-24.

Conditions:
Inborn genetic diseases. Identifiers: MedGen C0950123, MeSH D030342.
Charcot-Marie-Tooth disease type 4. Also called: Charcot-Marie-Tooth disease, type IV; Charcot-Marie-Tooth, Type 4. Identifiers: Orphanet 64749, MedGen C4082197, MONDO:0018995.
PRX-related disorder. Also called: PRX-related condition; PRX-Related Disorders.

Allele frequency attached by ClinVar (database versions not stated): TOPMed 0.00001; 1000 Genomes Project 30x 0.00016; 1000 Genomes Project 0.00040.
gnomAD v4.1: 20 of 1,561,896 alleles (0.0013%); highest among the groups gnomAD compares: East Asian, 0.016%; no homozygotes.

Submissions (3):

PreventionGenetics, part of Exact Sciences
Classification: Uncertain significance for PRX-related condition. Last evaluated: 2025-07-24. Review status: criteria provided, single submitter. Criteria: ACMG Guidelines, 2015. Collection method: clinical testing. Allele origin: germline.
Comment: The PRX c.641C>A variant is predicted to result in the amino acid substitution p.Pro214His. To our knowledge, this variant has not been reported in the literature. This variant is reported in 0.015% of alleles in individuals of East Asian descent in gnomAD. At this time, the clinical significance of this variant is uncertain due to the absence of conclusive functional and genetic evidence.

Ambry Genetics
Classification: Uncertain significance for Inborn genetic diseases. Last evaluated: 2023-08-22. Review status: criteria provided, single submitter. Criteria: Ambry Variant Classification Scheme 2023. Collection method: clinical testing. Allele origin: germline.

Labcorp Genetics (formerly Invitae), Labcorp
Classification: Uncertain significance for Charcot-Marie-Tooth disease type 4. Last evaluated: 2021-08-13. Review status: criteria provided, single submitter. Criteria: Invitae Variant Classification Sherloc (09022015). Collection method: clinical testing. Allele origin: germline.
Comment: This sequence change replaces proline with histidine at codon 214 of the PRX protein (p.Pro214His). The proline residue is moderately conserved and there is a moderate physicochemical difference between proline and histidine. This variant is present in population databases (rs368874138, ExAC 0.1%). This missense change has been observed in individual(s) with clinical features of PRX-related conditions (Invitae). Algorithms developed to predict the effect of missense changes on protein structure and function output the following: SIFT: "Deleterious"; PolyPhen-2: "Probably Damaging"; Align-GVGD: "Class C0". The histidine amino acid residue is found in multiple mammalian species, which suggests that this missense change does not adversely affect protein function. In summary, the available evidence is currently insufficient to determine the role of this variant in disease. Therefore, it has been classified as a Variant of Uncertain Significance.

NM_181882.3(PRX):c.641C>A (p.Pro214His)

Gene: PRX (periaxin; minus strand). Cytogenetic location: 19q13.2.
Variant type: single nucleotide variant.
Coding change: c.641C>A on transcript NM_181882.3 (MANE Select); coding-DNA position 641, C replaced by A.
Protein change: p.Pro214His; replaces proline 214 with histidine.
Molecular consequence: missense variant. On other transcripts: 3 prime UTR variant (1).
Genome position (GRCh38, 1-based): chr19:40,397,711, G>T on the plus strand (C>A on the coding strand, the complement: PRX is on the minus strand). VCF-style: chr19-40397711-G-T. GRCh37 (hg19) VCF-style: chr19-40903618-G-T.
Other names: c.*846C>A (NM_020956.2); short protein forms P214H.
Identifiers: ClinVar variation 851932 (VCV000851932.9), dbSNP rs368874138, ClinGen allele CA9444404.